The following is an entry in ClinVar:

NM_002439.5(MSH3):c.1361G>A (p.Arg454Gln)

Gene: MSH3 (mutS homolog 3; plus strand). Cytogenetic location: 5q14.1.
Variant type: single nucleotide variant.
Coding change: c.1361G>A on transcript NM_002439.5 (MANE Select); coding-DNA position 1361, G replaced by A.
Protein change: p.Arg454Gln; replaces arginine 454 with glutamine.
Molecular consequence: missense variant.
Genome position (GRCh38, 1-based): chr5:80,725,473, G>A. VCF-style: chr5-80725473-G-A. GRCh37 (hg19) VCF-style: chr5-80021292-G-A.
Other names: short protein forms R454Q.
Identifiers: ClinVar variation 650766 (VCV000650766.18), dbSNP rs144798521, ClinGen allele CA3327884.

ClinVar aggregate classification (germline): Conflicting classifications of pathogenicity. Review status: criteria provided, conflicting classifications (1 of 4 stars). 7 submissions from 7 submitters: Uncertain significance (6); Likely benign (1). Last evaluated 2026-05-06.

Conditions:
Hereditary cancer-predisposing syndrome. Also called: Neoplastic Syndromes, Hereditary; Tumor predisposition; Hereditary neoplastic syndrome; Hereditary Cancer Syndrome. Identifiers: Orphanet 140162, MedGen C0027672, MeSH D009386, MONDO:0015356.
MSH3-related disorder. Also called: MSH3-related condition.

Allele frequency attached by ClinVar (database versions not stated): TOPMed 0.00003; gnomAD 0.00004; ESP Exome Variant Server 0.00008; 1000 Genomes Project 30x 0.00109; 1000 Genomes Project 0.00140.
gnomAD v4.1: 120 of 1,613,422 alleles (0.0074%); highest among the groups gnomAD compares: South Asian, 0.088%; 2 homozygotes.

Submissions (7):

PreventionGenetics, part of Exact Sciences
Classification: Uncertain significance for MSH3-related condition. Last evaluated: 2026-05-06. Review status: criteria provided, single submitter. Criteria: ACMG Guidelines, 2015. Collection method: clinical testing. Allele origin: germline.
Comment: The MSH3 c.1361G>A variant is predicted to result in the amino acid substitution p.Arg454Gln. This variant has been reported in an individual with a personal and family history of breast and colorectal cancers (Table S4, Bhai et al. 2021. PubMed ID: 34326862). It was also reported in an individual who underwent diagnostic testing for hereditary breast and ovarian cancer syndrome (HBOC) (Chrysafi et al. 2023. PubMed ID: 38136308). This variant is reported in 0.11% of alleles in individuals of South Asian descent and in one homozygous individual of European (Non-Finnish) descent in gnomAD. This variant has conflicting interpretations in ClinVar ranging from uncertain to likely benign (Variation ID: 650766). Although we suspect that this variant may be benign, at this time, the clinical significance of this variant is uncertain due to the absence of conclusive functional and genetic evidence.

Labcorp Genetics (formerly Invitae), Labcorp
Classification: Uncertain significance. Last evaluated: 2026-02-01. Review status: criteria provided, single submitter. Criteria: Invitae Variant Classification Sherloc (09022015). Collection method: clinical testing. Allele origin: germline.
Comment: This sequence change replaces arginine, which is basic and polar, with glutamine, which is neutral and polar, at codon 454 of the MSH3 protein (p.Arg454Gln). This variant is present in population databases (rs144798521, gnomAD 0.1%). This missense change has been observed in individual(s) with breast cancer and colorectal cancer (PMID: 34326862). ClinVar contains an entry for this variant (Variation ID: 650766). An algorithm developed to predict the effect of missense changes on protein structure and function (PolyPhen-2) suggests that this variant is likely to be disruptive. In summary, the available evidence is currently insufficient to determine the role of this variant in disease. Therefore, it has been classified as a Variant of Uncertain Significance.

Center for Genomic Medicine, Rigshospitalet, Copenhagen University Hospital
Classification: Uncertain significance. Last evaluated: 2025-03-04. Review status: criteria provided, single submitter. Criteria: ACMG Guidelines, 2015. Collection method: clinical testing. Allele origin: germline.

Quest Diagnostics Nichols Institute San Juan Capistrano
Classification: Uncertain significance. Last evaluated: 2024-08-15. Review status: criteria provided, single submitter. Criteria: Quest Diagnostics criteria. Collection method: clinical testing. Allele origin: unknown.
Comment: The MSH3 c.1361G>A (p.Arg454Gln) variant has been reported in the published literature in an individual who met the criteria for hereditary breast and ovarian cancer or Lynch syndrome genetic (PMID: 38136308 (2023)). The frequency of this variant in the general population, 0.0011 (35/30610 chromosomes in South Asian subpopulation (Genome Aggregation Database)), is higher than would generally be expected for pathogenic variants in this gene. Analysis of this variant using bioinformatics tools for the prediction of the effect of amino acid changes on protein structure and function yielded conflicting predictions that this variant is benign or damaging. Based on the available information, we are unable to determine the clinical significance of this variant.

Institute for Clinical Genetics, University Hospital TU Dresden, University Hospital TU Dresden
Classification: Uncertain significance. Last evaluated: 2021-11-03. Review status: criteria provided, single submitter. Criteria: ACMG Guidelines, 2015. Collection method: clinical testing. Allele origin: germline.

Sema4
Classification: Uncertain significance for Hereditary cancer-predisposing syndrome. Last evaluated: 2021-06-16. Review status: criteria provided, single submitter. Criteria: Sema4 Curation Guidelines. Collection method: curation. Allele origin: germline.
Comment: The MSH3 c.1361G>A (p.R454Q) variant has not been reported in literature to our knowledge. This variant was observed in 35/30610 chromosomes in the South Asian population, according to the Genome Aggregation Database (PMID: 32461654). This variant has been reported in ClinVar (Variation ID 650766). In silico tools suggest the impact of the variant on protein function is inconclusive, though these predictions have not been confirmed by functional studies. The overall evidence is insufficient to meet ACMG/AMP criteria for classifying it as benign or pathogenic. In summary, the clinical significance of this variant is currently uncertain.

Ambry Genetics
Classification: Likely benign for Hereditary cancer-predisposing syndrome. Last evaluated: 2019-08-06. Review status: criteria provided, single submitter. Criteria: Ambry Variant Classification Scheme 2023. Collection method: clinical testing. Allele origin: germline.

Literature cited by the submitters: PubMed 34326862 (cited by Labcorp Genetics (formerly Invitae), Labcorp); PubMed 38136308 (cited by Quest Diagnostics Nichols Institute San Juan Capistrano).